The following is an entry in ClinVar:

NM_001486.4(GCKR):c.1639C>A (p.Pro547Thr)

Gene: GCKR (glucokinase regulator; plus strand). Cytogenetic location: 2p23.3.
Variant type: single nucleotide variant.
Coding change: c.1639C>A on transcript NM_001486.4 (MANE Select); coding-DNA position 1639, C replaced by A.
Protein change: p.Pro547Thr; replaces proline 547 with threonine.
Molecular consequence: missense variant.
Genome position (GRCh38, 1-based): chr2:27,522,526, C>A. VCF-style: chr2-27522526-C-A. GRCh37 (hg19) VCF-style: chr2-27745393-C-A.
Other names: short protein forms P547T.
Identifiers: ClinVar variation 3640393 (VCV003640393.2).

ClinVar aggregate classification (germline): Uncertain significance (1 of 4 stars; one submission).

gnomAD v4.1: 149 of 1,613,936 alleles (0.0092%); highest among the groups gnomAD compares: South Asian, 0.15%; no homozygotes.

Submission:

Labcorp Genetics (formerly Invitae), Labcorp
Classification: Uncertain significance. Last evaluated: 2025-01-06. Review status: criteria provided, single submitter. Criteria: Invitae Variant Classification Sherloc (09022015). Collection method: clinical testing. Allele origin: germline.
Comment: This sequence change replaces proline, which is neutral and non-polar, with threonine, which is neutral and polar, at codon 547 of the GCKR protein (p.Pro547Thr). This variant is present in population databases (rs559473148, gnomAD 0.2%), and has an allele count higher than expected for a pathogenic variant. This missense change has been observed in individual(s) with clinical features of dyslipidemia (PMID: 36325899). Invitae Evidence Modeling of protein sequence and biophysical properties (such as structural, functional, and spatial information, amino acid conservation, physicochemical variation, residue mobility, and thermodynamic stability) indicates that this missense variant is not expected to disrupt GCKR protein function with a negative predictive value of 80%. In summary, the available evidence is currently insufficient to determine the role of this variant in disease. Therefore, it has been classified as a Variant of Uncertain Significance.

Literature cited by the submitters: PubMed 36325899.